The following is an entry in ClinVar:

ClinVar aggregate classification (germline): Pathogenic/Likely pathogenic. Review status: criteria provided, multiple submitters, no conflicts (2 of 4 stars). 6 submissions from 5 submitters: Pathogenic (2); Likely pathogenic (3). 1 of the submissions does not count toward it. Last evaluated 2026-09-16.

Conditions:
Intellectual disability, autosomal dominant 16 (CSS4). Also called: COFFIN-SIRIS SYNDROME 4. Identifiers: Orphanet 1465, MedGen C3553249, MONDO:0013821, OMIM 614609.
SMARCA4-related BAFopathy.

Allele frequency attached by ClinVar (database versions not stated): gnomAD exomes below 0.00001; ExAC 0.00001.

Submissions (6):

GeneDx
Classification: Pathogenic. Last evaluated: 2026-09-16. Review status: criteria provided, single submitter. Criteria: GeneDx Variant Classification Process June 2021. Collection method: clinical testing. Allele origin: germline.
Comment: Not observed at significant frequency in large population cohorts (gnomAD); In silico analysis supports that this missense variant has a deleterious effect on protein structure/function; This variant is associated with the following publications: (PMID: 25168959, 24090879, 25326635, 23929686, 24658002, 37500730, 34906496, 37489029)

Daryl Scott Lab, Baylor College of Medicine
Classification: Likely pathogenic for Intellectual disability, autosomal dominant 16. Last evaluated: 2025-08-25. Review status: criteria provided, single submitter. Criteria: ACMG Guidelines, 2015. Collection method: clinical testing. Allele origin: unknown. Affected: yes. Observed: 1 heterozygote.
Comment: PS2, PM2, PP3

Genome-Nilou Lab
Classification: Likely pathogenic for Intellectual disability, autosomal dominant 16. Last evaluated: 2021-07-15. Review status: criteria provided, single submitter. Criteria: ACMG Guidelines, 2015. Collection method: clinical testing. Allele origin: germline. Affected: no.

Baylor Genetics
Classification: Likely pathogenic for SMARCA4-related BAFopathy. Last evaluated: 2021-06-10. Review status: criteria provided, single submitter. Criteria: ACMG Guidelines, 2015. Collection method: clinical testing. Allele origin: de novo. Affected: yes.

CeGaT Center for Human Genetics Tuebingen
Classification: Pathogenic. Last evaluated: 2019-02-01. Review status: criteria provided, single submitter. Criteria: CeGaT Center For Human Genetics Tuebingen Variant Classification Criteria Version 2. Collection method: clinical testing. Allele origin: germline. Affected: yes. Observed: 1 variant allele.

Baylor Genetics
Classification: Uncertain significance for Intellectual disability, autosomal dominant 16. Last evaluated: 2017-09-01. Review status: flagged submission. Criteria: ACMG Guidelines, 2015. Collection method: clinical testing. Allele origin: de novo. Inheritance: Autosomal dominant inheritance. Affected: yes. Not counted in ClinVar's aggregate classification.
ClinVar note: Notes: Lab says "likely pathogenicity" in evidence summary but submitted an interpretation of uncertain significance.
ClinVar note: Reason: Other submission error

Literature cited by the submitters: PubMed 25326635 (cited by Baylor Genetics).

NM_003072.5(SMARCA4):c.3608G>A (p.Arg1203His)

Gene: SMARCA4 (SWI/SNF related BAF chromatin remodeling complex subunit ATPase 4; plus strand). Cytogenetic location: 19p13.2.
Variant type: single nucleotide variant.
Coding change: c.3608G>A on transcript NM_003072.5 (MANE Select); coding-DNA position 3608, G replaced by A.
Protein change: p.Arg1203His; replaces arginine 1203 with histidine.
Molecular consequence: missense variant. On other transcripts: non-coding transcript variant (1).
Genome position (GRCh38, 1-based): chr19:11,033,351, G>A. VCF-style: chr19-11033351-G-A. GRCh37 (hg19) VCF-style: chr19-11144027-G-A.
Other names: c.3608G>A, p.Arg1203His (NM_001128844.3, NM_001128845.2, NM_001128846.2 and 5 more transcripts); short protein forms R1203H.
Identifiers: ClinVar variation 449452 (VCV000449452.50), dbSNP rs770680174, ClinGen allele CA9204477.
Genomic context (GRCh38, chr19:11,033,351, plus strand): 5'-ACCTGCAAGCGCAGGACCGAGCCCACCGCATCGGGCAGCAGAACGAGGTGCGTGTGCTCC[G>A]CCTCTGCACCGTCAACAGCGTGGAGGAGAAGATCCTAGCTGCAGCCAAGTACAAGCTCAA-3'
Protein context (NP_003063.2, residues 1193-1213): IGQQNEVRVL[Arg1203His]LCTVNSVEEK